The following is an entry in ClinVar:

ClinVar aggregate classification (germline): Pathogenic (1 of 4 stars; one submission).

Conditions:
Wilson disease (WND). Also called: Wilson's disease. Identifiers: Orphanet 905, MedGen C0019202, MONDO:0010200, OMIM 277900. Disease mechanism: loss of function.

Submission:

Juno Genomics, Hangzhou Juno Genomics, Inc
Classification: Pathogenic for Wilson disease. Review status: criteria provided, single submitter. Criteria: ACMG Guidelines, 2015. Collection method: clinical testing. Allele origin: germline.
Comment: Absent from controls (or at extremely low frequency if recessive) in Genome Aggregation Database.;Null variant in a gene where loss of function (LOF) is a known mechanism of disease.;For recessive disorders, detected in trans with a pathogenic variant.;Patient's phenotype or family history is highly specific for a disease with a single genetic etiology.

NM_000053.4(ATP7B):c.171_174dup (p.Thr59fs)

Gene: ATP7B (ATPase copper transporting beta; minus strand). Cytogenetic location: 13q14.3.
Variant type: Duplication.
Coding change: c.171_174dup on transcript NM_000053.4 (MANE Select); coding-DNA positions 171 to 174, 4 bases duplicated (GGCC; older notation c.171_174dupGGCC).
Protein change: p.Thr59fs; shifts the reading frame from threonine 59.
Molecular consequence: frameshift variant.
Genome position (GRCh38, 1-based): chr13:51,975,046-51,975,049, GGCC duplicated on the plus strand (GGCC on the coding strand, the reverse complement: ATP7B is on the minus strand). VCF-style (leftmost placement, unchanged base first): chr13-51975045-T-TGGCC. GRCh37 (hg19) VCF-style: chr13-52549181-T-TGGCC.
Other names: c.171_174dup, p.Thr59fs (NM_001406524.1, NM_001406525.1, NM_001406526.1 and 30 more transcripts); c.75_78dup, p.Thr27fs (NM_001406530.1, NM_001406517.1, NM_001406518.1 and 4 more transcripts); short protein forms T59fs, T27fs.
Identifiers: ClinVar variation 5005270 (VCV005005270.2).